The following is an entry in ClinVar:

NM_001385079.1(PDE10A):c.1178T>A (p.Leu393His)

Gene: PDE10A (phosphodiesterase 10A; minus strand). Cytogenetic location: 6q27.
Variant type: single nucleotide variant.
Coding change: c.1178T>A on transcript NM_001385079.1 (MANE Select); coding-DNA position 1178, T replaced by A.
Protein change: p.Leu393His; replaces leucine 393 with histidine.
Molecular consequence: missense variant.
Genome position (GRCh38, 1-based): chr6:165,448,944, A>T on the plus strand (T>A on the coding strand, the complement: PDE10A is on the minus strand). VCF-style: chr6-165448944-A-T. GRCh37 (hg19) VCF-style: chr6-165862432-A-T.
Other names: c.380T>A, p.Leu127His (NM_001130690.3); c.350T>A, p.Leu117His (NM_006661.4); short protein forms L127H, L117H, L393H.
Identifiers: ClinVar variation 2818958 (VCV002818958.3), dbSNP rs2534111080, ClinGen allele CA366483272.
Genomic context (GRCh38, chr6:165,448,944, plus strand): 5'-TATTTTCTTATCTAGAGCACCAAAATCTAAATTTAGATACTTACATTATTGCACTCTCCA[A>T]GGAAATACAGTGCAAATCCATCGGCTTTTGTGGCTGCCAAAGTAATAAGAAAAGGAAGAA-3'
Protein context (NP_001372008.1, residues 383-403): TKADGFALYF[Leu393His]GECNNSLCIF

ClinVar aggregate classification (germline): Uncertain significance (1 of 4 stars; one submission).

Submission:

Labcorp Genetics (formerly Invitae), Labcorp
Classification: Uncertain significance. Last evaluated: 2023-07-17. Review status: criteria provided, single submitter. Criteria: Invitae Variant Classification Sherloc (09022015). Collection method: clinical testing. Allele origin: germline.
Comment: In summary, the available evidence is currently insufficient to determine the role of this variant in disease. Therefore, it has been classified as a Variant of Uncertain Significance. An algorithm developed to predict the effect of missense changes on protein structure and function (PolyPhen-2) suggests that this variant is likely to be disruptive. This variant has not been reported in the literature in individuals affected with PDE10A-related conditions. This variant is not present in population databases (gnomAD no frequency). This sequence change replaces leucine, which is neutral and non-polar, with histidine, which is basic and polar, at codon 127 of the PDE10A protein (p.Leu127His).